The following is an entry in ClinVar:

ClinVar aggregate classification (germline): Pathogenic. Review status: criteria provided, single submitter (1 of 4 stars). 2 submissions from 2 submitters: Pathogenic (1). 1 of the submissions does not count toward it. Last evaluated 2025-08-24.

Conditions:
Exudative vitreoretinopathy 5 (EVR5). Identifiers: Orphanet 891, MedGen C2750079, MONDO:0013218, OMIM 613310.

Submissions (2):

Labcorp Genetics (formerly Invitae), Labcorp
Classification: Pathogenic. Last evaluated: 2025-08-24. Review status: criteria provided, single submitter. Criteria: Invitae Variant Classification Sherloc (09022015). Collection method: clinical testing. Allele origin: germline.
Comment: This sequence change affects an acceptor splice site in intron 2 of the TSPAN12 gene. RNA analysis indicates that disruption of this splice site induces altered splicing and may result in an absent or altered protein product. This variant is not present in population databases (gnomAD no frequency). Disruption of this splice site has been observed in individuals with exudative vitreoretinopathy (PMID: 22427576; internal data). ClinVar contains an entry for this variant (Variation ID: 126504). Studies have shown that disruption of this splice site results in skipping of exon 3, and produces a non-functional protein and/or introduces a premature termination codon (PMID: 22427576). For these reasons, this variant has been classified as Pathogenic.

OMIM
Classification: Pathogenic for EXUDATIVE VITREORETINOPATHY 5. Last evaluated: 2012-05-14. Review status: no assertion criteria provided. Collection method: literature only. Allele origin: germline. Not counted in ClinVar's aggregate classification.

Literature cited by the submitters: PubMed 22427576 (cited by Labcorp Genetics (formerly Invitae), Labcorp and OMIM).

NM_012338.4(TSPAN12):c.67-1G>C

Gene: TSPAN12 (tetraspanin 12; minus strand). Cytogenetic location: 7q31.31.
Variant type: single nucleotide variant.
Coding change: c.67-1G>C on transcript NM_012338.4 (MANE Select); the canonical splice acceptor site of the intron before coding-DNA position 67, G replaced by C.
Molecular consequence: splice acceptor variant.
Genome position (GRCh38, 1-based): chr7:120,840,110, C>G on the plus strand (G>C on the coding strand, the complement: TSPAN12 is on the minus strand). VCF-style: chr7-120840110-C-G. GRCh37 (hg19) VCF-style: chr7-120480164-C-G.
Other names: IVS2, G-C, -1.
Identifiers: ClinVar variation 126504 (VCV000126504.6), dbSNP rs587777284, ClinGen allele CA269453.
Genomic context (GRCh38, chr7:120,840,110, plus strand): 5'-AACATTATTTAGGTAGTCCCTCATCCAAGCAGAAACTGCCAACACACTGATGGACATTAA[C>G]TGGGGAGAAAAAAGTACAAACCGGTTACCAAAGATTTACGTAACATTCACTGCAGGATTA-3'